The following is an entry in ClinVar:

ClinVar aggregate classification (germline): Likely benign (1 of 4 stars; one submission).

Submission:

CeGaT Center for Human Genetics Tuebingen
Classification: Likely benign. Last evaluated: 2026-03-01. Review status: criteria provided, single submitter. Criteria: CeGaT Center For Human Genetics Tuebingen Variant Classification Criteria Version 2. Collection method: clinical testing. Allele origin: germline. Affected: yes. Observed: 1 variant allele.
Comment: HRG: BS1

NM_000412.5(HRG):c.535C>T (p.Arg179Ter)

Gene: HRG (histidine rich glycoprotein; plus strand). Cytogenetic location: 3q27.3.
Variant type: single nucleotide variant.
Coding change: c.535C>T on transcript NM_000412.5 (MANE Select); coding-DNA position 535, C replaced by T.
Protein change: p.Arg179Ter; replaces arginine 179 with a stop codon.
Molecular consequence: nonsense.
Genome position (GRCh38, 1-based): chr3:186,671,766, C>T. VCF-style: chr3-186671766-C-T. GRCh37 (hg19) VCF-style: chr3-186389555-C-T.
Other names: short protein forms R179*.
Identifiers: ClinVar variation 4821523 (VCV004821523.4).